The following is an entry in ClinVar:

ClinVar aggregate classification (germline): Benign (1 of 4 stars; one submission).

Conditions:
Early-onset generalized limb-onset dystonia. Also called: DYSTONIA MUSCULORUM DEFORMANS 1; Oppenheim's dystonia; Early onset torsion dystonia; DYT-TOR1A; Dystonia-1, torsion; Dystonia 1, modifier of. Identifiers: Orphanet 256, MedGen C1851945, MONDO:0007492, OMIM 128100.

Allele frequency attached by ClinVar (database versions not stated): 1000 Genomes Project 0.00539; gnomAD 0.00545 and 0.00589; TOPMed 0.00570; 1000 Genomes Project 30x 0.00578.

Submission:

Illumina Laboratory Services, Illumina
Classification: Benign for Early-onset generalized limb-onset dystonia. Last evaluated: 2018-01-13. Review status: criteria provided, single submitter. Criteria: ICSL Variant Classification Criteria 13 December 2019. Collection method: clinical testing. Allele origin: germline.
Comment: This variant was observed in the ICSL laboratory as part of a predisposition screen in an ostensibly healthy population. It had not been previously curated by ICSL or reported in the Human Gene Mutation Database (HGMD: prior to June 1st, 2018), and was therefore a candidate for classification through an automated scoring system. Utilizing variant allele frequency, disease prevalence and penetrance estimates, and inheritance mode, an automated score was calculated to assess if this variant is too frequent to cause the disease. Based on the score and internal cut-off values, a variant classified as benign is not then subjected to further curation. The score for this variant resulted in a classification of benign for this disease.

NM_000113.3(TOR1A):c.*1002C>T

Gene: TOR1A (torsin family 1 member A; minus strand). Cytogenetic location: 9q34.11.
Variant type: single nucleotide variant.
Coding change: c.*1002C>T on transcript NM_000113.3 (MANE Select); 1002 bases downstream of the stop codon, C replaced by T.
Molecular consequence: 3 prime UTR variant.
Genome position (GRCh38, 1-based): chr9:129,812,970, G>A on the plus strand (C>T on the coding strand, the complement: TOR1A is on the minus strand). VCF-style: chr9-129812970-G-A. GRCh37 (hg19) VCF-style: chr9-132575249-G-A.
Identifiers: ClinVar variation 365211 (VCV000365211.5), dbSNP rs144267898, ClinGen allele CA10632508.
Genomic context (GRCh38, chr9:129,812,970, plus strand): 5'-CGCTTCTCCCTCTTCAAAAACGTACTCACCAATGGCACATGCAAAATTTTATTGTAAAAC[G>A]GTAGCCATTTGCATTTATAAAGAAAGACACCGTTCTCAGCATCCTCAGAAGGGGCAGCTA-3'